The following is an entry in ClinVar:

ClinVar aggregate classification (germline): Uncertain significance (1 of 4 stars; one submission).

Conditions:
SEMA3D-related disorder. Also called: SEMA3D-related condition.

gnomAD v4.1: 6 of 1,612,354 alleles (0.00037%); highest among the groups gnomAD compares: South Asian, 0.0011%; no homozygotes.

Submission:

PreventionGenetics, part of Exact Sciences
Classification: Uncertain significance for SEMA3D-related condition. Last evaluated: 2025-01-14. Review status: criteria provided, single submitter. Criteria: ACMG Guidelines, 2015. Collection method: clinical testing. Allele origin: germline.
Comment: The SEMA3D c.1267C>T variant is predicted to result in the amino acid substitution p.Arg423Trp. To our knowledge, this variant has not been reported in the literature. This variant is reported in 0.0033% of alleles in individuals of South Asian descent in gnomAD. At this time, the clinical significance of this variant is uncertain due to the absence of conclusive functional and genetic evidence.

NM_001384900.1(SEMA3D):c.1267C>T (p.Arg423Trp)

Gene: SEMA3D (semaphorin 3D; minus strand). Cytogenetic location: 7q21.11.
Variant type: single nucleotide variant.
Coding change: c.1267C>T on transcript NM_001384900.1 (MANE Select); coding-DNA position 1267, C replaced by T.
Protein change: p.Arg423Trp; replaces arginine 423 with tryptophan.
Molecular consequence: missense variant.
Genome position (GRCh38, 1-based): chr7:85,022,538, G>A on the plus strand (C>T on the coding strand, the complement: SEMA3D is on the minus strand). VCF-style: chr7-85022538-G-A. GRCh37 (hg19) VCF-style: chr7-84651854-G-A.
Other names: c.1267C>T, p.Arg423Trp (NM_001384901.1, NM_001384902.1, NM_001384903.1 and 1 more transcripts); short protein forms R423W.
Identifiers: ClinVar variation 4984534 (VCV004984534.1).